The following is an entry in ClinVar:

ClinVar aggregate classification (germline): Uncertain significance (1 of 4 stars; one submission).

Conditions:
Cardiovascular phenotype. Identifiers: MedGen CN230736.

Submission:

Ambry Genetics
Classification: Uncertain significance for Cardiovascular phenotype. Last evaluated: 2025-08-09. Review status: criteria provided, single submitter. Criteria: Ambry Variant Classification Scheme 2023. Collection method: clinical testing. Allele origin: germline.
Comment: The p.L119V variant (also known as c.355C>G), located in coding exon 2 of the TCAP gene, results from a C to G substitution at nucleotide position 355. The leucine at codon 119 is replaced by valine, an amino acid with highly similar properties. This amino acid position is conserved. In addition, this alteration is predicted to be tolerated by in silico analysis. Based on the available evidence, the clinical significance of this variant remains unclear.

NM_003673.4(TCAP):c.355C>G (p.Leu119Val)

Gene: TCAP (titin-cap; plus strand). Cytogenetic location: 17q12.
Variant type: single nucleotide variant.
Coding change: c.355C>G on transcript NM_003673.4 (MANE Select); coding-DNA position 355, C replaced by G.
Protein change: p.Leu119Val; replaces leucine 119 with valine.
Molecular consequence: missense variant.
Genome position (GRCh38, 1-based): chr17:39,665,960, C>G. VCF-style: chr17-39665960-C-G. GRCh37 (hg19) VCF-style: chr17-37822213-C-G.
Other names: short protein forms L119V.
Identifiers: ClinVar variation 4181381 (VCV004181381.1).